The following is an entry in ClinVar:

NM_001378414.1(HDAC4):c.1383G>A (p.Leu461=)

Gene: HDAC4 (histone deacetylase 4; minus strand). Cytogenetic location: 2q37.3.
Variant type: single nucleotide variant.
Coding change: c.1383G>A on transcript NM_001378414.1 (MANE Select); coding-DNA position 1383, G replaced by A.
Protein change: p.Leu461=; no amino-acid change (leucine 461 retained).
Molecular consequence: synonymous variant.
Genome position (GRCh38, 1-based): chr2:239,126,606, C>T on the plus strand (G>A on the coding strand, the complement: HDAC4 is on the minus strand). VCF-style: chr2-239126606-C-T. GRCh37 (hg19) VCF-style: chr2-240048302-C-T.
Other names: c.1383G>A, p.Leu461= (NM_001378415.1); c.1368G>A, p.Leu456= (NM_001378416.1, NM_001378417.1, NM_006037.4).
Identifiers: ClinVar variation 2652075 (VCV002652075.24), dbSNP rs766290604, ClinGen allele CA2199815.

ClinVar aggregate classification (germline): Likely benign (1 of 4 stars; one submission).

Allele frequency attached by ClinVar (database versions not stated): gnomAD exomes 0.00001; ExAC 0.00003; TOPMed 0.00005; gnomAD 0.00007.
gnomAD v4.1: 28 of 1,613,852 alleles (0.0017%); highest among the groups gnomAD compares: African/African-American, 0.024%; no homozygotes.

Submission:

CeGaT Center for Human Genetics Tuebingen
Classification: Likely benign. Last evaluated: 2022-10-01. Review status: criteria provided, single submitter. Criteria: CeGaT Center For Human Genetics Tuebingen Variant Classification Criteria Version 2. Collection method: clinical testing. Allele origin: germline. Affected: yes. Observed: 1 variant allele.
Comment: HDAC4: BP4, BP7